The following is an entry in ClinVar:

NM_001286445.3(RIPOR2):c.182G>A (p.Arg61Gln)

Gene: RIPOR2 (RHO family interacting cell polarization regulator 2; minus strand). Cytogenetic location: 6p22.3.
Variant type: single nucleotide variant.
Coding change: c.182G>A on transcript NM_001286445.3 (MANE Select); coding-DNA position 182, G replaced by A.
Protein change: p.Arg61Gln; replaces arginine 61 with glutamine.
Molecular consequence: missense variant.
Genome position (GRCh38, 1-based): chr6:24,875,697, C>T on the plus strand (G>A on the coding strand, the complement: RIPOR2 is on the minus strand). VCF-style: chr6-24875697-C-T. GRCh37 (hg19) VCF-style: chr6-24875925-C-T.
Other names: c.197G>A, p.Arg66Gln (NM_001286446.3); c.95G>A, p.Arg32Gln (NM_001286447.2, NM_001346031.2, NM_001346032.2 and 2 more transcripts); short protein forms R32Q, R61Q, R66Q.
Identifiers: ClinVar variation 3342368 (VCV003342368.1).
Genomic context (GRCh38, chr6:24,875,697, plus strand): 5'-AAAGTTCACTTCCTTGGCAAGCTGCATCCCGGGAGAGAACCACACAGTACTTGCCTGGAT[C>T]GCCTTTCCTGGAGGCCGCTGAAACCCGCAAAGGACTGGCTTCTAATGATCCCATTGGGCC-3'
Protein context (NP_001273374.1, residues 51-71): FAGFSGLQER[Arg61Gln]SRCNSFIENS

ClinVar aggregate classification (germline): Uncertain significance (1 of 4 stars; one submission).

gnomAD v4.1: 5 of 1,612,502 alleles (0.00031%); highest among the groups gnomAD compares: African/African-American, 0.0027%; no homozygotes.

Submission:

GeneDx
Classification: Uncertain significance. Last evaluated: 2022-01-28. Review status: criteria provided, single submitter. Criteria: GeneDx Variant Classification Process June 2021. Collection method: clinical testing. Allele origin: germline. Affected: yes.
Comment: In silico analysis supports that this missense variant does not alter protein structure/function; Has not been previously published as pathogenic or benign to our knowledge; Variants in candidate genes are classified as variants of uncertain significance in accordance with ACMG guidelines (Richards et al., 2015)